The following is an entry in ClinVar:

NM_005751.5(AKAP9):c.11157G>T (p.Lys3719Asn)

Gene: AKAP9 (A-kinase anchoring protein 9; plus strand). Cytogenetic location: 7q21.2.
Variant type: single nucleotide variant.
Coding change: c.11157G>T on transcript NM_005751.5 (MANE Select); coding-DNA position 11157, G replaced by T.
Protein change: p.Lys3719Asn; replaces lysine 3719 with asparagine.
Molecular consequence: missense variant.
Genome position (GRCh38, 1-based): chr7:92,102,653, G>T. VCF-style: chr7-92102653-G-T. GRCh37 (hg19) VCF-style: chr7-91731967-G-T.
Other names: c.5802G>T, p.Lys1934Asn (NM_001379277.1); c.11133G>T, p.Lys3711Asn (NM_147185.3); short protein forms K3711N, K1934N, K3719N.
Identifiers: ClinVar variation 1796081 (VCV001796081.2), dbSNP rs1060504955, ClinGen allele CA368162193.
Genomic context (GRCh38, chr7:92,102,653, plus strand): 5'-GAGAATTTATGGTAAATACTTGAGGGCAGAAAGTTTTCGAAAGGCTCTCATTTACCAGAA[G>T]AAATACCTGCTGCTGTTACTGGGTGGGTTCCAGGAATGTGAAGATGCCACCTTGGCCCTG-3'
Protein context (NP_005742.4, residues 3709-3729): ESFRKALIYQ[Lys3719Asn]KYLLLLLGGF

ClinVar aggregate classification (germline): Uncertain significance (1 of 4 stars; one submission).

Conditions:
Cardiovascular phenotype. Identifiers: MedGen CN230736.

Submission:

Ambry Genetics
Classification: Uncertain significance for Cardiovascular phenotype. Last evaluated: 2022-01-04. Review status: criteria provided, single submitter. Criteria: Ambry Variant Classification Scheme 2023. Collection method: clinical testing. Allele origin: germline.
Comment: The p.K3719N variant (also known as c.11157G>T), located in coding exon 46 of the AKAP9 gene, results from a G to T substitution at nucleotide position 11157. The lysine at codon 3719 is replaced by asparagine, an amino acid with similar properties. This amino acid position is highly conserved in available vertebrate species. In addition, this alteration is predicted to be tolerated by in silico analysis. Since supporting evidence is limited at this time, the clinical significance of this alteration remains unclear.